The following is an entry in ClinVar:

ClinVar aggregate classification (germline): Uncertain significance (0 of 4 stars; one submission).

Conditions:
PCNT-related disorder. Also called: PCNT-related condition.

gnomAD v4.1: 19 of 1,613,614 alleles (0.0012%); highest among the groups gnomAD compares: Non-Finnish European, 0.0014%; no homozygotes.

Submission:

PreventionGenetics, part of Exact Sciences
Classification: Uncertain significance for PCNT-related condition. Last evaluated: 2024-05-03. Review status: no assertion criteria provided. Collection method: clinical testing. Allele origin: germline.
Comment: The PCNT c.2053C>A variant is predicted to result in the amino acid substitution p.Gln685Lys. To our knowledge, this variant has not been reported in the literature. This variant is reported in 0.00088% of alleles in individuals of European (Non-Finnish) descent in gnomAD. At this time, the clinical significance of this variant is uncertain due to the absence of conclusive functional and genetic evidence.

NM_006031.6(PCNT):c.2053C>A (p.Gln685Lys)

Gene: PCNT (pericentrin; plus strand). Cytogenetic location: 21q22.3.
Variant type: single nucleotide variant.
Coding change: c.2053C>A on transcript NM_006031.6 (MANE Select); coding-DNA position 2053, C replaced by A.
Protein change: p.Gln685Lys; replaces glutamine 685 with lysine.
Molecular consequence: missense variant.
Genome position (GRCh38, 1-based): chr21:46,357,090, C>A. VCF-style: chr21-46357090-C-A. GRCh37 (hg19) VCF-style: chr21-47777005-C-A.
Other names: c.1699C>A, p.Gln567Lys (NM_001315529.2); short protein forms Q567K, Q685K.
Identifiers: ClinVar variation 3355821 (VCV003355821.1).